The following is an entry in ClinVar:

ClinVar aggregate classification (germline): Likely pathogenic (1 of 4 stars; one submission).

Submission:

Quest Diagnostics Nichols Institute San Juan Capistrano
Classification: Likely pathogenic. Last evaluated: 2025-09-16. Review status: criteria provided, single submitter. Criteria: Quest Diagnostics criteria. Collection method: clinical testing. Allele origin: unknown.
Comment: The BRCA1 c.1256del (p.Val419Glufs*11) variant alters the translational reading frame of the BRCA1 mRNA and is predicted to cause the premature termination of BRCA1 protein synthesis. This variant has not been reported in individuals with BRCA1-related conditions in the published literature. This variant has not been reported in large, multi-ethnic general populations (Genome Aggregation Database). Based on the available information, this variant is classified as likely pathogenic.

NM_007294.4(BRCA1):c.1256del (p.Val419fs)

Gene: BRCA1 (BRCA1 DNA repair associated; minus strand). Cytogenetic location: 17q21.31.
Variant type: Deletion.
Coding change: c.1256del on transcript NM_007294.4 (MANE Select); coding-DNA position 1256, one base deleted (T; older notation c.1256delT).
Protein change: p.Val419fs; shifts the reading frame from valine 419.
Molecular consequence: frameshift variant. On other transcripts: intron variant (137).
Genome position (GRCh38, 1-based): chr17:43,094,275, A deleted on the plus strand (T on the coding strand, the reverse complement: BRCA1 is on the minus strand). VCF-style (leftmost placement, unchanged base first): chr17-43094274-TA-T. GRCh37 (hg19) VCF-style: chr17-41246291-TA-T.
Other names: c.1043del, p.Val348fs (NM_001407571.1, NM_001407853.1, NM_001407894.1 and 9 more transcripts); c.1256del, p.Val419fs (NM_001407581.1, NM_001407582.1, NM_001407583.1 and 30 more transcripts); c.1253del, p.Val418fs (NM_001407587.1, NM_001407590.1, NM_001407591.1 and 22 more transcripts); c.1247del, p.Val416fs (NM_001407646.1, NM_001407647.1); c.1133del, p.Val378fs (NM_001407648.1, NM_001407664.1, NM_001407665.1 and 19 more transcripts); c.1130del, p.Val377fs (NM_001407649.1, NM_001407670.1, NM_001407671.1 and 11 more transcripts); c.1178del, p.Val393fs (NM_001407653.1, NM_001407654.1, NM_001407655.1 and 4 more transcripts); c.1175del, p.Val392fs (NM_001407659.1, NM_001407660.1, NM_001407661.1 and 1 more transcripts); and 41 more; short protein forms V123fs, V251fs, V291fs, V292fs, V307fs, V308fs, V330fs, V331fs.
Identifiers: ClinVar variation 4533101 (VCV004533101.1).